The following is an entry in ClinVar:

NM_002382.5(MAX):c.305T>C (p.Leu102Pro)

Gene: MAX (MYC associated transcriptional regulator X; minus strand). Cytogenetic location: 14q23.3.
Variant type: single nucleotide variant.
Coding change: c.305T>C on transcript NM_002382.5 (MANE Select); coding-DNA position 305, T replaced by C.
Protein change: p.Leu102Pro; replaces leucine 102 with proline.
Molecular consequence: missense variant. On other transcripts: 3 prime UTR variant (1), intron variant (2).
Genome position (GRCh38, 1-based): chr14:65,076,654, A>G on the plus strand (T>C on the coding strand, the complement: MAX is on the minus strand). VCF-style: chr14-65076654-A-G. GRCh37 (hg19) VCF-style: chr14-65543372-A-G.
Other names: c.116T>C, p.Leu39Pro (NM_001320415.2, NM_001407105.1, NM_001407106.1 and 1 more transcripts); c.305T>C, p.Leu102Pro (NM_001407094.1); c.278T>C, p.Leu93Pro (NM_001407095.1, NM_145112.3); c.*78T>C (NM_001407096.1, NM_001407099.1, NM_001407102.1 and 2 more transcripts); c.*94T>C (NM_001407097.1, NM_001407100.1, NM_001407101.1 and 4 more transcripts); c.197T>C, p.Leu66Pro (NM_001407098.1); c.104T>C, p.Leu35Pro (NM_001407111.1, NM_001407112.1); c.144+17054T>C (NM_001271069.2); and 1 more; short protein forms L35P, L93P, L102P, L66P, L39P.
Identifiers: ClinVar variation 2137596 (VCV002137596.8), dbSNP rs2504176263, ClinGen allele CA390032006.

ClinVar aggregate classification (germline): Conflicting classifications of pathogenicity. Review status: criteria provided, conflicting classifications (1 of 4 stars). 3 submissions from 3 submitters: Likely pathogenic (2); Uncertain significance (1). Last evaluated 2026-07-13.

Conditions:
Hereditary cancer-predisposing syndrome. Also called: Neoplastic Syndromes, Hereditary; Tumor predisposition; Hereditary Cancer Syndrome; Hereditary neoplastic syndrome. Identifiers: Orphanet 140162, MedGen C0027672, MeSH D009386, MONDO:0015356.
Pheochromocytoma. Also called: MAX-Related Hereditary Paraganglioma-Pheochromocytoma Syndrome. Identifiers: Orphanet 29072, MedGen C0031511, MONDO:0008233, OMIM 171300, HP:0002666.
Hereditary pheochromocytoma and paraganglioma. Also called: Hereditary pheochromocytoma-paraganglioma; Hereditary paragangliomas and pheochromocytomas; Hereditary Paraganglioma-Pheochromocytoma Syndromes. Identifiers: Orphanet 29072, MedGen C4274332, MONDO:0017366.

Submissions (3):

Myriad Genetics, Inc.
Classification: Likely pathogenic for Pheochromocytoma. Last evaluated: 2026-07-13. Review status: criteria provided, single submitter. Criteria: Myriad Autosomal Dominant, Autosomal Recessive and X-Linked Classification Criteria (2023). Collection method: clinical testing. Allele origin: unknown.
Comment: This variant is considered likely pathogenic. This variant has been reported in multiple individuals with clinical features of gene-specific disease [PMID: 22452945; external communications 2026]. This variant is expected to disrupt protein structure [Myriad internal data]. Functional studies indicate this variant impacts protein function [PMID: 26070438].

Ambry Genetics
Classification: Likely pathogenic for Hereditary cancer-predisposing syndrome. Last evaluated: 2026-03-31. Review status: criteria provided, single submitter. Criteria: Ambry Variant Classification Scheme 2023. Collection method: clinical testing. Allele origin: germline.
Comment: The p.L102P variant (also known as c.305T>C), located in coding exon 5 of the MAX gene, results from a T to C substitution at nucleotide position 305. The leucine at codon 102 is replaced by proline, an amino acid with similar properties. This alteration has been observed in at least one individual with a personal and/or family history that is consistent with MAX-related disease (Ambry internal data; Burnichon N et al. Clin Cancer Res, 2012 May;18:2828-37). Based on internal structural analysis, this variant is moderately destabilizing to local structure (Burnichon N et al. Clin Cancer Res, 2012 May;18:2828-37; Comino-M&eacute;ndez I et al. J Mol Med (Berl), 2015 Nov;93:1247-55; Wang D et al. Nucleic Acids Res, 2017 Mar;45:2396-2407). This amino acid position is highly conserved in available vertebrate species. In addition, this alteration is predicted to be deleterious by in silico analysis. This variant is considered to be rare based on population cohorts in the Genome Aggregation Database (gnomAD). Based on the majority of available evidence to date, this variant is likely to be pathogenic.

Labcorp Genetics (formerly Invitae), Labcorp
Classification: Uncertain significance for Hereditary pheochromocytoma and paraganglioma. Last evaluated: 2022-08-24. Review status: criteria provided, single submitter. Criteria: Invitae Variant Classification Sherloc (09022015). Collection method: clinical testing. Allele origin: germline.
Comment: In summary, the available evidence is currently insufficient to determine the role of this variant in disease. Therefore, it has been classified as a Variant of Uncertain Significance. Experimental studies are conflicting or provide insufficient evidence to determine the effect of this variant on MAX function (PMID: 26070438). Algorithms developed to predict the effect of missense changes on protein structure and function (SIFT, PolyPhen-2, Align-GVGD) all suggest that this variant is likely to be disruptive. This missense change has been observed in individual(s) with pheochromocytoma (PMID: 22452945). This variant is not present in population databases (gnomAD no frequency). This sequence change replaces leucine, which is neutral and non-polar, with proline, which is neutral and non-polar, at codon 102 of the MAX protein (p.Leu102Pro).

Literature cited by the submitters: PubMed 22452945 (cited by 3 submitters); PubMed 26070438 (cited by 3 submitters); PubMed 27903915 (cited by Ambry Genetics).